The following is an entry in ClinVar:

ClinVar aggregate classification (germline): Uncertain significance (1 of 4 stars; one submission).

gnomAD v4.1: 1 of 1,599,402 alleles (0.000063%); highest among the groups gnomAD compares: Non-Finnish European, 0.000085%; no homozygotes.

Submission:

GeneDx
Classification: Uncertain significance. Last evaluated: 2024-10-13. Review status: criteria provided, single submitter. Criteria: GeneDx Variant Classification Process June 2021. Collection method: clinical testing. Allele origin: germline. Affected: yes.
Comment: Not observed at significant frequency in large population cohorts (gnomAD); In silico analysis indicates that this missense variant does not alter protein structure/function; Has not been previously published as pathogenic or benign to our knowledge; This substitution is predicted to be within the transmembrane segment S3

NM_172107.4(KCNQ2):c.526C>G (p.Leu176Val)

Gene: KCNQ2 (potassium voltage-gated channel subfamily Q member 2; minus strand). Cytogenetic location: 20q13.33.
Variant type: single nucleotide variant.
Coding change: c.526C>G on transcript NM_172107.4 (MANE Select); coding-DNA position 526, C replaced by G.
Protein change: p.Leu176Val; replaces leucine 176 with valine.
Molecular consequence: missense variant.
Genome position (GRCh38, 1-based): chr20:63,444,823, G>C on the plus strand (C>G on the coding strand, the complement: KCNQ2 is on the minus strand). VCF-style: chr20-63444823-G-C. GRCh37 (hg19) VCF-style: chr20-62076176-G-C.
Other names: c.526C>G, p.Leu176Val (NM_001382235.1, NM_004518.6, NM_172106.3 and 2 more transcripts); short protein forms L176V.
Identifiers: ClinVar variation 3777262 (VCV003777262.1).